The following is an entry in ClinVar:

NM_006885.4(ZFHX3):c.5321C>G (p.Pro1774Arg)

Genes: ZFHX3 (zinc finger homeobox 3; minus strand), ZFHX3-AS1 (ZFHX3 antisense RNA 1; plus strand). Cytogenetic location: 16q22.2.
Variant type: single nucleotide variant.
Coding change: c.5321C>G on transcript NM_006885.4 (MANE Select); coding-DNA position 5321, C replaced by G.
Protein change: p.Pro1774Arg; replaces proline 1774 with arginine.
Molecular consequence: missense variant.
Genome position (GRCh38, 1-based): chr16:72,797,361, G>C on the plus strand (C>G on the coding strand, the complement: ZFHX3 is on the minus strand). VCF-style: chr16-72797361-G-C. GRCh37 (hg19) VCF-style: chr16-72831260-G-C.
Other names: c.2579C>G, p.Pro860Arg (NM_001164766.2); c.5321C>G, p.Pro1774Arg (NM_001386735.1); short protein forms P1774R, P860R.
Identifiers: ClinVar variation 4281783 (VCV004281783.1).

ClinVar aggregate classification (germline): Uncertain significance (1 of 4 stars; one submission).

Submission:

GeneDx
Classification: Uncertain significance. Last evaluated: 2025-04-07. Review status: criteria provided, single submitter. Criteria: GeneDx Variant Classification Process June 2021. Collection method: clinical testing. Allele origin: germline. Affected: yes.
Comment: Not observed at significant frequency in large population cohorts (gnomAD); In silico analysis supports that this missense variant has a deleterious effect on protein structure/function; Has not been previously published as pathogenic or benign to our knowledge